The following is an entry in ClinVar:

NM_006939.4(SOS2):c.1597A>C (p.Asn533His)

Gene: SOS2 (SOS Ras/Rho guanine nucleotide exchange factor 2; minus strand). Cytogenetic location: 14q21.3.
Variant type: single nucleotide variant.
Coding change: c.1597A>C on transcript NM_006939.4 (MANE Select); coding-DNA position 1597, A replaced by C.
Protein change: p.Asn533His; replaces asparagine 533 with histidine.
Molecular consequence: missense variant.
Genome position (GRCh38, 1-based): chr14:50,159,686, T>G on the plus strand (A>C on the coding strand, the complement: SOS2 is on the minus strand). VCF-style: chr14-50159686-T-G. GRCh37 (hg19) VCF-style: chr14-50626404-T-G.
Other names: c.1498A>C, p.Asn500His (NM_001411020.1); short protein forms N500H, N533H.
Identifiers: ClinVar variation 1776022 (VCV001776022.2), dbSNP rs2502989420, ClinGen allele CA389645405.
Genomic context (GRCh38, chr14:50,159,686, plus strand): 5'-CTAACATTCGATCTAGAGTACTACGATAATGAAGAGAAATAAGGGCTGCCATCCAGTTGT[T>G]TTTTTCTTCAGCAGACTTAGCAGCAAATATTATGCTGTTCTCATCTTTGGATACTAATTC-3'
Protein context (NP_008870.2, residues 523-543): IFAAKSAEEK[Asn533His]NWMAALISLH

ClinVar aggregate classification (germline): Uncertain significance (1 of 4 stars; one submission).

Conditions:
Cardiovascular phenotype. Identifiers: MedGen CN230736.

Submission:

Ambry Genetics
Classification: Uncertain significance for Cardiovascular phenotype. Last evaluated: 2021-11-19. Review status: criteria provided, single submitter. Criteria: Ambry Variant Classification Scheme 2023. Collection method: clinical testing. Allele origin: germline.
Comment: The p.N533H variant (also known as c.1597A>C), located in coding exon 10 of the SOS2 gene, results from an A to C substitution at nucleotide position 1597. The asparagine at codon 533 is replaced by histidine, an amino acid with similar properties. This amino acid position is conserved. In addition, this alteration is predicted to be tolerated by in silico analysis. Since supporting evidence is limited at this time, the clinical significance of this alteration remains unclear.